The following is an entry in ClinVar:

ClinVar aggregate classification (germline): Uncertain significance (1 of 4 stars; one submission).

Conditions:
Ehlers-Danlos syndrome, type 4 (EDSVASC). Also called: Ehlers-Danlos Syndrome Type IV; Ehlers-Danlos syndrome vascular type; Ehlers Danlos syndrome, ecchymotic type; Ehlers Danlos syndrome, arterial type; Ehlers Danlos syndrome, Sack-Barabas type. Identifiers: Orphanet 286, MedGen C0268338, MONDO:0017314, OMIM 130050.

Allele frequency attached by ClinVar (database versions not stated): gnomAD exomes below 0.00001.
gnomAD v4.1: 1 of 1,614,062 alleles (0.000062%); highest among the groups gnomAD compares: Non-Finnish European, 0.000085%; no homozygotes.

Submission:

All of Us Research Program, National Institutes of Health
Classification: Uncertain significance for Ehlers-Danlos syndrome, type 4. Last evaluated: 2023-11-02. Review status: criteria provided, single submitter. Criteria: ACMG Guidelines, 2015. Collection method: clinical testing. Allele origin: germline. Inheritance: Autosomal dominant inheritance. Observed: 1 variant allele, 1 heterozygote.
Comment: This missense variant replaces glutamic acid with glycine at codon 502 of the COL3A1 protein. Computational prediction suggests that this variant may have deleterious impact on protein structure and function (internally defined REVEL score threshold >= 0.7, PMID: 27666373). To our knowledge, functional studies have not been reported for this variant. This variant has not been reported in individuals affected with COL3A1-related disorders in the literature. This variant has been identified in 1/251324 chromosomes in the general population by the Genome Aggregation Database (gnomAD). The available evidence is insufficient to determine the role of this variant in disease conclusively. Therefore, this variant is classified as a Variant of Uncertain Significance.

This study involves interpretation of variants in research participants for the purpose of population health screening. Participant phenotype was not available at the time of variant classification. Additional details can be found in publication PMID: 35346344, PMCID: PMC8962531

NM_000090.4(COL3A1):c.1505A>G (p.Glu502Gly)

Gene: COL3A1 (collagen type III alpha 1 chain; plus strand). Cytogenetic location: 2q32.2.
Variant type: single nucleotide variant.
Coding change: c.1505A>G on transcript NM_000090.4 (MANE Select); coding-DNA position 1505, A replaced by G.
Protein change: p.Glu502Gly; replaces glutamic acid 502 with glycine.
Molecular consequence: missense variant.
Genome position (GRCh38, 1-based): chr2:188,995,095, A>G. VCF-style: chr2-188995095-A-G. GRCh37 (hg19) VCF-style: chr2-189859821-A-G.
Other names: short protein forms E502G.
Identifiers: ClinVar variation 3074382 (VCV003074382.1), dbSNP rs1332374277, ClinGen allele CA349852062.
Genomic context (GRCh38, chr2:188,995,095, plus strand): 5'-ATTATTTTCAGGGTGCCCCTGGGTTCCGAGGACCTGCTGGACCAAATGGCATCCCAGGAG[A>G]AAAGGTAGATAACTTTAGTTTCTATGTTCCTAAATGCTAGCACCACAAATGGGCAGTTCT-3'
Protein context (NP_000081.2, residues 492-512): GPAGPNGIPG[Glu502Gly]KGPAGERGAP